The following is an entry in ClinVar:

ClinVar aggregate classification (germline): Uncertain significance (1 of 4 stars; one submission).

Conditions:
Bardet-Biedl syndrome (BBS). Identifiers: Orphanet 110, MedGen C0752166, MONDO:0015229.

gnomAD v4.1: 2 of 1,611,764 alleles (0.00012%); highest among the groups gnomAD compares: Non-Finnish European, 0.00017%; no homozygotes.

Submission:

Labcorp Genetics (formerly Invitae), Labcorp
Classification: Uncertain significance for Bardet-Biedl syndrome. Last evaluated: 2021-09-01. Review status: criteria provided, single submitter. Criteria: Invitae Variant Classification Sherloc (09022015). Collection method: clinical testing. Allele origin: germline.
Comment: This sequence change replaces alanine with threonine at codon 564 of the BBS2 protein (p.Ala564Thr). The alanine residue is highly conserved and there is a small physicochemical difference between alanine and threonine. This variant is not present in population databases (ExAC no frequency). This variant has not been reported in the literature in individuals affected with BBS2-related conditions. Algorithms developed to predict the effect of missense changes on protein structure and function are either unavailable or do not agree on the potential impact of this missense change (SIFT: "Tolerated"; PolyPhen-2: "Probably Damaging"; Align-GVGD: "Class C0"). In summary, the available evidence is currently insufficient to determine the role of this variant in disease. Therefore, it has been classified as a Variant of Uncertain Significance.

NM_031885.5(BBS2):c.1690G>A (p.Ala564Thr)

Gene: BBS2 (Bardet-Biedl syndrome 2; minus strand). Cytogenetic location: 16q13.
Variant type: single nucleotide variant.
Coding change: c.1690G>A on transcript NM_031885.5 (MANE Select); coding-DNA position 1690, G replaced by A.
Protein change: p.Ala564Thr; replaces alanine 564 with threonine.
Molecular consequence: missense variant. On other transcripts: non-coding transcript variant (5).
Genome position (GRCh38, 1-based): chr16:56,497,850, C>T on the plus strand (G>A on the coding strand, the complement: BBS2 is on the minus strand). VCF-style: chr16-56497850-C-T. GRCh37 (hg19) VCF-style: chr16-56531762-C-T.
Other names: c.1690G>A, p.Ala564Thr (NM_001377456.1); short protein forms A564T.
Identifiers: ClinVar variation 963375 (VCV000963375.4), dbSNP rs780747680, ClinGen allele CA395976093.